The following is an entry in ClinVar:

NM_005120.3(MED12):c.3742G>C (p.Glu1248Gln)

Gene: MED12 (mediator complex subunit 12; plus strand). Cytogenetic location: Xq13.1.
Variant type: single nucleotide variant.
Coding change: c.3742G>C on transcript NM_005120.3 (MANE Select); coding-DNA position 3742, G replaced by C.
Protein change: p.Glu1248Gln; replaces glutamic acid 1248 with glutamine.
Molecular consequence: missense variant.
Genome position (GRCh38, 1-based): chrX:71,129,730, G>C. VCF-style: chrX-71129730-G-C. GRCh37 (hg19) VCF-style: chrX-70349580-G-C.
Other names: short protein forms E1248Q.
Identifiers: ClinVar variation 930328 (VCV000930328.3), dbSNP rs2092312145, ClinGen allele CA413522181.

ClinVar aggregate classification (germline): Uncertain significance (1 of 4 stars; one submission).

Conditions:
X-linked intellectual disability with marfanoid habitus. Also called: X-linked mental retardation with marfanoid habitus syndrome; INTELLECTUAL DEVELOPMENTAL DISORDER, X-LINKED, SYNDROMIC, LUJAN-FRYNS TYPE; Lujan Syndrome (LS); Lujan Syndrome. Identifiers: Orphanet 776, MedGen C0796022, MONDO:0010655, OMIM 309520.

Submission:

Centre for Mendelian Genomics, University Medical Centre Ljubljana
Classification: Uncertain significance for X-linked intellectual disability with marfanoid habitus. Last evaluated: 2019-04-08. Review status: criteria provided, single submitter. Criteria: ACMG Guidelines, 2015. Collection method: clinical testing. Allele origin: unknown. Affected: yes.
Comment: This variant was classified as: Uncertain significance. The available evidence on this variant's pathogenicity is insufficient or conflicting. The following ACMG criteria were applied in classifying this variant: PM2.